The following is an entry in ClinVar:

ClinVar aggregate classification (germline): Conflicting classifications of pathogenicity. Review status: criteria provided, conflicting classifications (1 of 4 stars). 2 submissions from 2 submitters: Uncertain significance (1); Likely benign (1). Last evaluated 2025-07-28.

Conditions:
Inborn genetic diseases. Identifiers: MedGen C0950123, MeSH D030342.

Allele frequency attached by ClinVar (database versions not stated): gnomAD exomes below 0.00001; TOPMed 0.00001; ExAC 0.00002.
gnomAD v4.1: 2 of 1,614,210 alleles (0.00012%); highest among the groups gnomAD compares: Admixed American, 0.0033%; no homozygotes.

Submissions (2):

Labcorp Genetics (formerly Invitae), Labcorp
Classification: Uncertain significance. Last evaluated: 2025-07-28. Review status: criteria provided, single submitter. Criteria: Invitae Variant Classification Sherloc (09022015). Collection method: clinical testing. Allele origin: germline.
Comment: This sequence change replaces proline, which is neutral and non-polar, with serine, which is neutral and polar, at codon 915 of the SRCAP protein (p.Pro915Ser). This variant is present in population databases (rs752848452, gnomAD 0.006%). This variant has not been reported in the literature in individuals affected with SRCAP-related conditions. ClinVar contains an entry for this variant (Variation ID: 1502244). Invitae Evidence Modeling of protein sequence and biophysical properties (such as structural, functional, and spatial information, amino acid conservation, physicochemical variation, residue mobility, and thermodynamic stability) indicates that this missense variant is not expected to disrupt SRCAP protein function with a negative predictive value of 80%. In summary, the available evidence is currently insufficient to determine the role of this variant in disease. Therefore, it has been classified as a Variant of Uncertain Significance.

Ambry Genetics
Classification: Likely benign for Inborn genetic diseases. Last evaluated: 2022-06-24. Review status: criteria provided, single submitter. Criteria: Ambry Variant Classification Scheme 2023. Collection method: clinical testing. Allele origin: germline.

NM_006662.3(SRCAP):c.2743C>T (p.Pro915Ser)

Gene: SRCAP (Snf2 related CREBBP activator protein; plus strand). Cytogenetic location: 16p11.2.
Variant type: single nucleotide variant.
Coding change: c.2743C>T on transcript NM_006662.3 (MANE Select); coding-DNA position 2743, C replaced by T.
Protein change: p.Pro915Ser; replaces proline 915 with serine.
Molecular consequence: missense variant.
Genome position (GRCh38, 1-based): chr16:30,716,405, C>T. VCF-style: chr16-30716405-C-T. GRCh37 (hg19) VCF-style: chr16-30727726-C-T.
Other names: c.2743C>T (NM_006662.2); short protein forms P915S.
Identifiers: ClinVar variation 1502244 (VCV001502244.9), dbSNP rs752848452, ClinGen allele CA8011294.